The following is an entry in ClinVar:

NM_000601.6(HGF):c.373A>G (p.Ile125Val)

Gene: HGF (hepatocyte growth factor; minus strand). Cytogenetic location: 7q21.11.
Variant type: single nucleotide variant.
Coding change: c.373A>G on transcript NM_000601.6 (MANE Select); coding-DNA position 373, A replaced by G.
Protein change: p.Ile125Val; replaces isoleucine 125 with valine.
Molecular consequence: missense variant.
Genome position (GRCh38, 1-based): chr7:81,757,298, T>C on the plus strand (A>G on the coding strand, the complement: HGF is on the minus strand). VCF-style: chr7-81757298-T-C. GRCh37 (hg19) VCF-style: chr7-81386614-T-C.
Other names: c.373A>G, p.Ile125Val (NM_001010931.3, NM_001010932.3, NM_001010933.3 and 1 more transcripts); short protein forms I125V.
Identifiers: ClinVar variation 4975618 (VCV004975618.1).
Genomic context (GRCh38, chr7:81,757,298, plus strand): 5'-TCTTAGTGATAGATACTGTTCCCTTGTAGCTGCGTCCTTTACCAATGATGCAGTTTCTAA[T>C]GTAGTCTATTGAAGAAAGTAGATAAAATTATTGCAACTATGCAAAACATATGCAGTATTT-3'
Protein context (NP_000592.3, residues 115-135): EFDLYENKDY[Ile125Val]RNCIIGKGRS

ClinVar aggregate classification (germline): Uncertain significance (1 of 4 stars; one submission).

gnomAD v4.1: 8 of 1,509,956 alleles (0.00053%); highest among the groups gnomAD compares: East Asian, 0.018%; no homozygotes.

Submission:

GeneDx
Classification: Uncertain significance. Last evaluated: 2026-02-16. Review status: criteria provided, single submitter. Criteria: GeneDx Variant Classification Process June 2021. Collection method: clinical testing. Allele origin: germline.
Comment: In silico analysis suggests that this missense variant does not alter protein structure/function; Has not been previously published as pathogenic or benign to our knowledge